The following is an entry in ClinVar:

ClinVar aggregate classification (germline): Uncertain significance (1 of 4 stars; one submission).

Allele frequency attached by ClinVar (database versions not stated): gnomAD exomes 0.00001; ExAC 0.00002; gnomAD 0.00003 and 0.00004; TOPMed 0.00004; ESP Exome Variant Server 0.00015.
gnomAD v4.1: 59 of 1,613,458 alleles (0.0037%); highest among the groups gnomAD compares: African/African-American, 0.008%; no homozygotes.

Submission:

Labcorp Genetics (formerly Invitae), Labcorp
Classification: Uncertain significance. Last evaluated: 2022-06-22. Review status: criteria provided, single submitter. Criteria: Invitae Variant Classification Sherloc (09022015). Collection method: clinical testing. Allele origin: germline.
Comment: In summary, the available evidence is currently insufficient to determine the role of this variant in disease. Therefore, it has been classified as a Variant of Uncertain Significance. Algorithms developed to predict the effect of missense changes on protein structure and function are either unavailable or do not agree on the potential impact of this missense change (SIFT: "Tolerated"; PolyPhen-2: "Probably Damaging"; Align-GVGD: "Class C0"). This variant has not been reported in the literature in individuals affected with SUCO-related conditions. The frequency data for this variant in the population databases is considered unreliable, as metrics indicate poor data quality at this position in the gnomAD database. This sequence change replaces arginine, which is basic and polar, with histidine, which is basic and polar, at codon 1032 of the SUCO protein (p.Arg1032His).

NM_014283.5(SUCO):c.3095G>A (p.Arg1032His)

Gene: SUCO (SUN domain containing ossification factor; plus strand). Cytogenetic location: 1q24.3.
Variant type: single nucleotide variant.
Coding change: c.3095G>A on transcript NM_014283.5 (MANE Select); coding-DNA position 3095, G replaced by A.
Protein change: p.Arg1032His; replaces arginine 1032 with histidine.
Molecular consequence: missense variant.
Genome position (GRCh38, 1-based): chr1:172,602,140, G>A. VCF-style: chr1-172602140-G-A. GRCh37 (hg19) VCF-style: chr1-172571280-G-A.
Other names: c.1982G>A, p.Arg661His (NM_001282750.2); c.1406G>A, p.Arg469His (NM_001282751.2); c.3548G>A, p.Arg1183His (NM_016227.4); short protein forms R469H, R661H, R1032H, R1183H.
Identifiers: ClinVar variation 1509300 (VCV001509300.8), dbSNP rs149087308, ClinGen allele CA1247237.
Genomic context (GRCh38, chr1:172,602,140, plus strand): 5'-GCTATCTTGTCATATCTTTGGTTCTTTGTGTTGTCTTGGGACTGATGCTTTGTATGCAGC[G>A]TTGTCGAAATACTTCTCAATTTGATGGAGATTATATTTCAAAACTTCCTAAAAGTAATCA-3'
Protein context (NP_055098.1, residues 1022-1042): VVLGLMLCMQ[Arg1032His]CRNTSQFDGD